The following is an entry in ClinVar:

ClinVar aggregate classification (germline): Benign (1 of 4 stars; one submission).

Allele frequency attached by ClinVar (database versions not stated): gnomAD 0.12517 and 0.13277; TOPMed 0.12591; 1000 Genomes Project 30x 0.18239; 1000 Genomes Project 0.19409.
gnomAD v4.1: 17,789 of 133,532 alleles (13%); highest among the groups gnomAD compares: East Asian, 54%; 1,720 homozygotes.

Submission:

GeneDx
Classification: Benign. Last evaluated: 2018-06-19. Review status: criteria provided, single submitter. Criteria: GeneDx Variant Classification (06012015). Collection method: clinical testing. Allele origin: germline. Affected: yes.
Comment: This variant is considered likely benign or benign based on one or more of the following criteria: it is a conservative change, it occurs at a poorly conserved position in the protein, it is predicted to be benign by multiple in silico algorithms, and/or has population frequency not consistent with disease.

NM_006790.3(MYOT):c.532-173G>A

Genes: PKD2L2-DT (PKD2L2 divergent transcript; minus strand), MYOT (myotilin; plus strand). Cytogenetic location: 5q31.2.
Variant type: single nucleotide variant.
Coding change: c.532-173G>A on transcript NM_006790.3 (MANE Select); 173 bases into the intron before coding-DNA position 532, G replaced by A.
Molecular consequence: intron variant.
Genome position (GRCh38, 1-based): chr5:137,877,347, G>A. VCF-style: chr5-137877347-G-A. GRCh37 (hg19) VCF-style: chr5-137213036-G-A.
Other names: c.187-173G>A (NM_001300911.2); c.-21-173G>A (NM_001135940.2).
Identifiers: ClinVar variation 670460 (VCV000670460.1), dbSNP rs143794741, ClinGen allele CA128101288.